The following is an entry in ClinVar:

NM_001621.5(AHR):c.1853A>G (p.His618Arg)

Gene: AHR (aryl hydrocarbon receptor; plus strand). Cytogenetic location: 7p21.1.
Variant type: single nucleotide variant.
Coding change: c.1853A>G on transcript NM_001621.5 (MANE Select); coding-DNA position 1853, A replaced by G.
Protein change: p.His618Arg; replaces histidine 618 with arginine.
Molecular consequence: missense variant.
Genome position (GRCh38, 1-based): chr7:17,339,678, A>G. VCF-style: chr7-17339678-A-G. GRCh37 (hg19) VCF-style: chr7-17379302-A-G.
Other names: short protein forms H618R.
Identifiers: ClinVar variation 1951803 (VCV001951803.5), dbSNP rs775243780, ClinGen allele CA4172193.
Genomic context (GRCh38, chr7:17,339,678, plus strand): 5'-ATTATCAACAGCAACAGTCCTTGGCTCTGAACTCAAGCTGTATGGTACAGGAACACCTAC[A>G]TCTAGAACAGCAACAGCAACATCACCAAAAGCAAGTAGTAGTGGAGCCACAGCAACAGCT-3'
Protein context (NP_001612.1, residues 608-628): NSSCMVQEHL[His618Arg]LEQQQQHHQK

ClinVar aggregate classification (germline): Uncertain significance (1 of 4 stars; one submission).

Allele frequency attached by ClinVar (database versions not stated): ExAC 0.00001.
gnomAD v4.1: 10 of 1,614,130 alleles (0.00062%); highest among the groups gnomAD compares: South Asian, 0.0033%; no homozygotes.

Submission:

Labcorp Genetics (formerly Invitae), Labcorp
Classification: Uncertain significance. Last evaluated: 2022-02-06. Review status: criteria provided, single submitter. Criteria: Invitae Variant Classification Sherloc (09022015). Collection method: clinical testing. Allele origin: germline.
Comment: In summary, the available evidence is currently insufficient to determine the role of this variant in disease. Therefore, it has been classified as a Variant of Uncertain Significance. Algorithms developed to predict the effect of missense changes on protein structure and function (SIFT, PolyPhen-2, Align-GVGD) all suggest that this variant is likely to be tolerated. This variant has not been reported in the literature in individuals affected with AHR-related conditions. This variant is present in population databases (rs775243780, gnomAD 0.003%). This sequence change replaces histidine, which is basic and polar, with arginine, which is basic and polar, at codon 618 of the AHR protein (p.His618Arg).